The following is an entry in ClinVar:

ClinVar aggregate classification (germline): Uncertain significance (1 of 4 stars; one submission).

Allele frequency attached by ClinVar (database versions not stated): ExAC 0.00002.
gnomAD v4.1: 48 of 1,613,650 alleles (0.003%); highest among the groups gnomAD compares: African/African-American, 0.0067%; no homozygotes.

Submission:

Labcorp Genetics (formerly Invitae), Labcorp
Classification: Uncertain significance. Last evaluated: 2023-07-13. Review status: criteria provided, single submitter. Criteria: Invitae Variant Classification Sherloc (09022015). Collection method: clinical testing. Allele origin: germline.
Comment: In summary, the available evidence is currently insufficient to determine the role of this variant in disease. Therefore, it has been classified as a Variant of Uncertain Significance. An algorithm developed to predict the effect of missense changes on protein structure and function (PolyPhen-2) suggests that this variant is likely to be tolerated. This variant has not been reported in the literature in individuals affected with SYNPO-related conditions. This variant is present in population databases (rs754461632, gnomAD 0.01%). This sequence change replaces glycine, which is neutral and non-polar, with serine, which is neutral and polar, at codon 628 of the SYNPO protein (p.Gly628Ser).

NM_007286.6(SYNPO):c.1882G>A (p.Gly628Ser)

Gene: SYNPO (synaptopodin; plus strand). Cytogenetic location: 5q33.1.
Variant type: single nucleotide variant.
Coding change: c.1882G>A on transcript NM_007286.6 (MANE Select); coding-DNA position 1882, G replaced by A.
Protein change: p.Gly628Ser; replaces glycine 628 with serine.
Molecular consequence: missense variant.
Genome position (GRCh38, 1-based): chr5:150,650,157, G>A. VCF-style: chr5-150650157-G-A. GRCh37 (hg19) VCF-style: chr5-150029719-G-A.
Other names: c.1882G>A, p.Gly628Ser (NM_001109974.3); c.2614G>A, p.Gly872Ser (NM_001166208.2, NM_001166209.2); short protein forms G628S, G872S.
Identifiers: ClinVar variation 2898563 (VCV002898563.3), dbSNP rs754461632, ClinGen allele CA3513512.